The following is an entry in ClinVar:

NM_000158.4(GBE1):c.367del (p.Glu123fs)

Gene: GBE1 (1,4-alpha-glucan branching enzyme 1; minus strand). Cytogenetic location: 3p12.2.
Variant type: Deletion.
Coding change: c.367del on transcript NM_000158.4 (MANE Select); coding-DNA position 367, one base deleted (G; older notation c.367delG).
Protein change: p.Glu123fs; shifts the reading frame from glutamic acid 123.
Molecular consequence: frameshift variant.
Genome position (GRCh38, 1-based): chr3:81,670,900, C deleted on the plus strand (G on the coding strand, the reverse complement: GBE1 is on the minus strand); the first of 3 consecutive C bases (chr3:81,670,900-81,670,902); deleting any one gives the same sequence. VCF-style (leftmost placement, unchanged base first): chr3-81670899-TC-T. GRCh37 (hg19) VCF-style: chr3-81720050-TC-T.
Other names: short protein forms E123fs.
Identifiers: ClinVar variation 5013561 (VCV005013561.1).

ClinVar aggregate classification (germline): Pathogenic (1 of 4 stars; one submission).

Conditions:
Glycogen storage disease, type IV (GSD4). Also called: AMYLOPECTINOSIS; ANDERSEN DISEASE; BRANCHER DEFICIENCY; CIRRHOSIS, FAMILIAL, WITH DEPOSITION OF ABNORMAL GLYCOGEN; GBE1 DEFICIENCY; GLYCOGEN BRANCHING ENZYME DEFICIENCY. Identifiers: Orphanet 367, MedGen C0017923, MONDO:0009292, OMIM 232500.

Submission:

Myriad Genetics, Inc.
Classification: Pathogenic for Glycogen storage disease, type IV. Last evaluated: 2024-09-17. Review status: criteria provided, single submitter. Criteria: Myriad Autosomal Dominant, Autosomal Recessive and X-Linked Classification Criteria (2023). Collection method: clinical testing. Allele origin: unknown.
Comment: NM_000158.3(GBE1):c.367delG(E123Sfs*20) is expected to be pathogenic in the context of glycogen storage disease, GBE1-related. This variant is predicted to lead to an abnormal or absent protein product due to the creation of a premature termination codon in GBE1, a gene where loss-of-function variants are known to be pathogenic. Please note: this variant was assessed in the context of healthy population screening.